The following is an entry in ClinVar:

NM_001394062.1(MACF1):c.20377G>A (p.Gly6793Arg)

Gene: MACF1 (microtubule actin crosslinking factor 1; plus strand). Cytogenetic location: 1p34.3.
Variant type: single nucleotide variant.
Coding change: c.20377G>A on transcript NM_001394062.1 (MANE Select); coding-DNA position 20377, G replaced by A.
Protein change: p.Gly6793Arg; replaces glycine 6793 with arginine.
Molecular consequence: missense variant.
Genome position (GRCh38, 1-based): chr1:39,451,170, G>A. VCF-style: chr1-39451170-G-A. GRCh37 (hg19) VCF-style: chr1-39916842-G-A.
Other names: c.8455G>A, p.Gly2819Arg (NM_001397473.1); c.14200G>A, p.Gly4734Arg (NM_012090.5); short protein forms G2819R, G4734R, G6793R.
Identifiers: ClinVar variation 2638713 (VCV002638713.24), dbSNP rs1418704467, ClinGen allele CA339824863.

ClinVar aggregate classification (germline): Uncertain significance (1 of 4 stars; one submission).

Allele frequency attached by ClinVar (database versions not stated): gnomAD 0.00001.

Submission:

CeGaT Center for Human Genetics Tuebingen
Classification: Uncertain significance. Last evaluated: 2023-03-01. Review status: criteria provided, single submitter. Criteria: CeGaT Center For Human Genetics Tuebingen Variant Classification Criteria Version 2. Collection method: clinical testing. Allele origin: germline. Affected: yes. Observed: 1 variant allele.
Comment: MACF1: PP3